The following is an entry in ClinVar:

NM_001148.6(ANK2):c.2901-59G>A

Gene: ANK2 (ankyrin 2; plus strand). Cytogenetic location: 4q26.
Variant type: single nucleotide variant.
Coding change: c.2901-59G>A on transcript NM_001148.6 (MANE Select); 59 bases into the intron before coding-DNA position 2901, G replaced by A.
Molecular consequence: intron variant.
Genome position (GRCh38, 1-based): chr4:113,330,187, G>A. VCF-style: chr4-113330187-G-A. GRCh37 (hg19) VCF-style: chr4-114251343-G-A.
Other names: c.2886-59G>A (NM_001386186.2, NM_001386148.2); c.2688-59G>A (NM_001354269.3); c.2865-59G>A (NM_001386187.2); c.2859-59G>A (NM_001386147.1, NM_001354261.2); c.2844-59G>A (NM_001386160.1); c.2850-59G>A (NM_001354254.2); c.2871-59G>A (NM_001354239.2, NM_001354252.2, NM_001354272.2); c.2835-59G>A (NM_001354244.2, NM_001354256.2, NM_001386161.1); and 23 more.
Identifiers: ClinVar variation 674428 (VCV000674428.1), dbSNP rs73841957, ClinGen allele CA103822494.

ClinVar aggregate classification (germline): Likely benign (1 of 4 stars; one submission).

Allele frequency attached by ClinVar (database versions not stated): gnomAD exomes 0.00097; gnomAD 0.00864 and 0.00917; TOPMed 0.00971; 1000 Genomes Project 0.00998; 1000 Genomes Project 30x 0.01156.
gnomAD v4.1: 2,683 of 1,504,436 alleles (0.18%); highest among the groups gnomAD compares: African/African-American, 3.1%; 38 homozygotes.

Submission:

GeneDx
Classification: Likely benign. Last evaluated: 2018-06-14. Review status: criteria provided, single submitter. Criteria: GeneDx Variant Classification (06012015). Collection method: clinical testing. Allele origin: germline. Affected: yes.
Comment: This variant is considered likely benign or benign based on one or more of the following criteria: it is a conservative change, it occurs at a poorly conserved position in the protein, it is predicted to be benign by multiple in silico algorithms, and/or has population frequency not consistent with disease.